The following is an entry in ClinVar:

ClinVar aggregate classification (germline): Pathogenic (1 of 4 stars; one submission).

Conditions:
Joubert syndrome. Also called: CEREBELLOPARENCHYMAL DISORDER IV; JOUBERT-BOLTSHAUSER SYNDROME; Familial aplasia of the vermis. Identifiers: Orphanet 475, MedGen C5979921, MONDO:0018772.

Submission:

Labcorp Genetics (formerly Invitae), Labcorp
Classification: Pathogenic for Joubert syndrome. Last evaluated: 2023-10-17. Review status: criteria provided, single submitter. Criteria: Invitae Variant Classification Sherloc (09022015). Collection method: clinical testing. Allele origin: germline.
Comment: This sequence change creates a premature translational stop signal (p.Gln977*) in the AHI1 gene. It is expected to result in an absent or disrupted protein product. Loss-of-function variants in AHI1 are known to be pathogenic (PMID: 15322546, 16453322, 28442542, 29186038). This variant is not present in population databases (gnomAD no frequency). This variant has not been reported in the literature in individuals affected with AHI1-related conditions. For these reasons, this variant has been classified as Pathogenic.

Literature cited by the submitters: PubMed 15322546; PubMed 16453322; PubMed 28442542; PubMed 29186038.

NM_001134831.2(AHI1):c.2929C>T (p.Gln977Ter)

Gene: AHI1 (Abelson helper integration site 1; minus strand). Cytogenetic location: 6q23.3.
Variant type: single nucleotide variant.
Coding change: c.2929C>T on transcript NM_001134831.2 (MANE Select); coding-DNA position 2929, C replaced by T.
Protein change: p.Gln977Ter; replaces glutamine 977 with a stop codon.
Molecular consequence: nonsense.
Genome position (GRCh38, 1-based): chr6:135,411,380, G>A on the plus strand (C>T on the coding strand, the complement: AHI1 is on the minus strand). VCF-style: chr6-135411380-G-A. GRCh37 (hg19) VCF-style: chr6-135732518-G-A.
Other names: c.2929C>T, p.Gln977Ter (NM_001134830.2, NM_001134832.2, NM_001350503.2 and 2 more transcripts); short protein forms Q977*.
Identifiers: ClinVar variation 2904079 (VCV002904079.3), dbSNP rs1307676365, ClinGen allele CA365845887.